The following is an entry in ClinVar:

ClinVar aggregate classification (germline): Uncertain significance. Review status: criteria provided, multiple submitters, no conflicts (2 of 4 stars). 2 submissions from 2 submitters: Uncertain significance (2). Last evaluated 2023-12-09.

Conditions:
Adult-onset proximal spinal muscular atrophy, autosomal dominant. Also called: FINKEL LATE-ADULT TYPE SMA; Spinal muscular atrophy, late-onset, finkel type. Identifiers: Orphanet 209335, MedGen C1854058, MONDO:0008453, OMIM 182980.
Amyotrophic lateral sclerosis type 8 (ALS8). Identifiers: Orphanet 803, MedGen C1837728, MONDO:0012077, OMIM 608627.

Allele frequency attached by ClinVar (database versions not stated): ExAC 0.00001; gnomAD 0.00001; gnomAD exomes 0.00001 and 0.00002; TOPMed 0.00001.
gnomAD v4.1: 27 of 1,613,968 alleles (0.0017%); highest among the groups gnomAD compares: Middle Eastern, 0.016%; no homozygotes.

Submissions (2):

Labcorp Genetics (formerly Invitae), Labcorp
Classification: Uncertain significance for Adult-onset proximal spinal muscular atrophy, autosomal dominant; Amyotrophic lateral sclerosis type 8. Last evaluated: 2023-12-09. Review status: criteria provided, single submitter. Criteria: Invitae Variant Classification Sherloc (09022015). Collection method: clinical testing. Allele origin: germline.
Comment: This sequence change replaces glutamic acid, which is acidic and polar, with lysine, which is basic and polar, at codon 165 of the VAPB protein (p.Glu165Lys). This variant is present in population databases (rs772254840, gnomAD 0.004%). This variant has not been reported in the literature in individuals affected with VAPB-related conditions. ClinVar contains an entry for this variant (Variation ID: 570108). Advanced modeling of protein sequence and biophysical properties (such as structural, functional, and spatial information, amino acid conservation, physicochemical variation, residue mobility, and thermodynamic stability) performed at Invitae indicates that this missense variant is not expected to disrupt VAPB protein function with a negative predictive value of 80%. In summary, the available evidence is currently insufficient to determine the role of this variant in disease. Therefore, it has been classified as a Variant of Uncertain Significance.

Baylor Genetics
Classification: Uncertain significance for Amyotrophic lateral sclerosis type 8. Last evaluated: 2022-07-25. Review status: criteria provided, single submitter. Criteria: ACMG Guidelines, 2015. Collection method: clinical testing. Allele origin: unknown.

NM_004738.5(VAPB):c.493G>A (p.Glu165Lys)

Gene: VAPB (VAMP associated protein B and C; plus strand). Cytogenetic location: 20q13.32.
Variant type: single nucleotide variant.
Coding change: c.493G>A on transcript NM_004738.5 (MANE Select); coding-DNA position 493, G replaced by A.
Protein change: p.Glu165Lys; replaces glutamic acid 165 with lysine.
Molecular consequence: missense variant. On other transcripts: non-coding transcript variant (1), intron variant (1).
Genome position (GRCh38, 1-based): chr20:58,441,003, G>A. VCF-style: chr20-58441003-G-A. GRCh37 (hg19) VCF-style: chr20-57016059-G-A.
Other names: c.212-3074G>A (NM_001195677.2); short protein forms E165K.
Identifiers: ClinVar variation 570108 (VCV000570108.14), dbSNP rs772254840, ClinGen allele CA9924271.